The following is an entry in ClinVar:

NM_000975.5(RPL11):c.465_466del (p.His155fs)

Gene: RPL11 (ribosomal protein L11; plus strand). Cytogenetic location: 1p36.11.
Variant type: Microsatellite.
Coding change: c.465_466del on transcript NM_000975.5 (MANE Select); coding-DNA positions 465 to 466, 2 bases deleted (CA; older notation c.465_466delCA).
Protein change: p.His155fs; shifts the reading frame from histidine 155.
Molecular consequence: frameshift variant.
Genome position (GRCh38, 1-based): chr1:23,695,866-23,695,867, CA deleted; deleting any 2 consecutive bases within chr1:23,695,863-23,695,867 gives the same sequence; the c. name uses the placement nearest the transcript's 3' end. VCF-style (leftmost placement, unchanged base first): chr1-23695862-AAC-A. GRCh37 (hg19) VCF-style: chr1-24022352-AAC-A.
Other names: c.465_466delCA (NM_000975.3); c.462_463del, p.His154fs (NM_001199802.1); short protein forms H154fs, H155fs.
Identifiers: ClinVar variation 992969 (VCV000992969.11), dbSNP rs1644530053, ClinGen allele CA1158916696.

ClinVar aggregate classification (germline): Pathogenic/Likely pathogenic. Review status: criteria provided, multiple submitters, no conflicts (2 of 4 stars). 4 submissions from 4 submitters: Pathogenic (1); Likely pathogenic (2). 1 of the submissions does not count toward it. Last evaluated 2023-09-06.

Conditions:
Diamond-Blackfan anemia. Also called: Blackfan Diamond syndrome; Aregenerative anemia chronic congenital; Red cell aplasia, pure hereditary; Congenital hypoplastic anemia; Aase syndrome. Identifiers: Orphanet 124, MedGen C1260899, MeSH D029503, MONDO:0015253, HP:0004810.
Diamond-Blackfan anemia 7 (DBA7). Also called: RPL11-Related Diamond-Blackfan Anemia. Identifiers: Orphanet 124, MedGen C2675512, MONDO:0012938, OMIM 612562.

Submissions (4):

Labcorp Genetics (formerly Invitae), Labcorp
Classification: Likely pathogenic for Diamond-Blackfan anemia. Last evaluated: 2023-09-06. Review status: criteria provided, single submitter. Criteria: Invitae Variant Classification Sherloc (09022015). Collection method: clinical testing. Allele origin: germline.
Comment: In summary, the currently available evidence indicates that the variant is pathogenic, but additional data are needed to prove that conclusively. Therefore, this variant has been classified as Likely Pathogenic. ClinVar contains an entry for this variant (Variation ID: 992969). This premature translational stop signal has been observed in individual(s) with clinical features of Diamond-Blackfan anemia (PMID: 19773262; Invitae). In at least one individual the variant was observed to be de novo. This variant is not present in population databases (gnomAD no frequency). This sequence change creates a premature translational stop signal (p.His155Glnfs*16) in the RPL11 gene. While this is not anticipated to result in nonsense mediated decay, it is expected to disrupt the last 24 amino acid(s) of the RPL11 protein.

Revvity Omics, Revvity
Classification: Pathogenic for Diamond-Blackfan anemia 7. Last evaluated: 2022-11-21. Review status: criteria provided, single submitter. Criteria: ACMG Guidelines, 2015. Collection method: clinical testing. Allele origin: germline.

Ambry Genetics
Classification: Likely pathogenic for Diamond-Blackfan anemia. Last evaluated: 2014-12-11. Review status: criteria provided, single submitter. Criteria: Ambry Variant Classification Scheme 2023. Collection method: clinical testing. Allele origin: germline.
Comment: The c.465_466delCA variant, located in coding exon 5 of the RPL11 gene, results from a deletion of two nucleotides between positions 465 and 466, causing a translational frameshift with a predicted alternate stop codon (p.H155Qfs*16). This variant was not reported in population based cohorts in the following databases: Database of Single Nucleotide Polymorphisms (dbSNP), NHLBI Exome Sequencing Project (ESP), and 1000 Genomes Project. This nucleotide region is conserved through reptiles. Per ACMG guidelines this variant could be interpreted as a disease-causing mutation (ACMG Recommendations for Standards for Interpretation and Reporting of Sequence Variations. Revision 2007. Genet Med. 2008;10:294); however, this deletion and subsequent frameshift occur at the 3' terminus of RPL11 and result in the removal of only the last 9 amino acids of the protein. The exact functional impact of these deleted amino acids is unknown at this time. Based on the majority of available evidence to date, this variant is likely to be pathogenic.

Biochemical Molecular Genetic Laboratory, King Abdulaziz Medical City
Classification: Pathogenic for Diamond-Blackfan anemia 7. Last evaluated: 2020-08-07. Review status: no assertion criteria provided. Collection method: clinical testing. Allele origin: germline. Affected: yes. Not counted in ClinVar's aggregate classification.

Literature cited by the submitters: PubMed 19773262 (cited by Labcorp Genetics (formerly Invitae), Labcorp and Ambry Genetics).